The following is an entry in ClinVar:

NM_000059.4(BRCA2):c.3288T>C (p.Asp1096=)

Gene: BRCA2 (BRCA2 DNA repair associated; plus strand). Cytogenetic location: 13q13.1.
Variant type: single nucleotide variant.
Coding change: c.3288T>C on transcript NM_000059.4 (MANE Select); coding-DNA position 3288, T replaced by C.
Protein change: p.Asp1096=; no amino-acid change (aspartic acid 1096 retained).
Molecular consequence: synonymous variant.
Genome position (GRCh38, 1-based): chr13:32,337,643, T>C. VCF-style: chr13-32337643-T-C. GRCh37 (hg19) VCF-style: chr13-32911780-T-C.
Identifiers: ClinVar variation 415671 (VCV000415671.19), dbSNP rs1060504622, ClinGen allele CA16614272.
Genomic context (GRCh38, chr13:32,337,643, plus strand): 5'-AGTTGTTTCTGATTGTAAAAATAGTCATATAACCCCTCAGATGTTATTTTCCAAGCAGGA[T>C]TTTAATTCAAACCATAATTTAACACCTAGCCAAAAGGCAGAAATTACAGAACTTTCTACT-3'
Protein context (NP_000050.3, residues 1086-1106): ITPQMLFSKQ[Asp1096=]FNSNHNLTPS

ClinVar aggregate classification (germline): Likely benign. Review status: criteria provided, multiple submitters, no conflicts (2 of 4 stars). 4 submissions from 4 submitters: Likely benign (4). Last evaluated 2025-07-21.

Conditions:
Hereditary breast ovarian cancer syndrome. Also called: Hereditary breast and ovarian cancer; Hereditary breast and ovarian cancer syndrome (HBOC); Hereditary breast and/or ovarian cancer syndrome; Breast and ovarian cancer; Hereditary breast and ovarian cancer syndrome; BRCA1- and BRCA2-Associated Hereditary Breast and Ovarian Cancer. Identifiers: Orphanet 145, MedGen C0677776, MeSH D061325, MONDO:0003582. Disease mechanism: loss of function.
Hereditary cancer-predisposing syndrome. Also called: Tumor predisposition; Neoplastic Syndromes, Hereditary; Hereditary Cancer Syndrome; Hereditary neoplastic syndrome. Identifiers: Orphanet 140162, MedGen C0027672, MeSH D009386, MONDO:0015356.
Breast-ovarian cancer, familial, susceptibility to, 2 (BROVCA2). Also called: BRCA2 Hereditary Breast and Ovarian Cancer. Identifiers: Orphanet 145, MedGen C2675520, MONDO:0012933, OMIM 612555. Disease mechanism: loss of function.

Allele frequency attached by ClinVar (database versions not stated): gnomAD exomes below 0.00001.
gnomAD v4.1: 3 of 1,588,282 alleles (0.00019%); highest among the groups gnomAD compares: Non-Finnish European, 0.00026%; no homozygotes.

Submissions (4):

Labcorp Genetics (formerly Invitae), Labcorp
Classification: Likely benign for Hereditary breast ovarian cancer syndrome. Last evaluated: 2025-07-21. Review status: criteria provided, single submitter. Criteria: Invitae Variant Classification Sherloc (09022015). Collection method: clinical testing. Allele origin: germline.

All of Us Research Program, National Institutes of Health
Classification: Likely benign for Breast-ovarian cancer, familial, susceptibility to, 2. Last evaluated: 2023-05-31. Review status: criteria provided, single submitter. Criteria: ACMG Guidelines, 2015. Collection method: clinical testing. Allele origin: germline. Inheritance: Autosomal dominant inheritance. Observed: 1 variant allele, 1 heterozygote.
Comment: This study involves interpretation of variants in research participants for the purpose of population health screening. Participant phenotype was not available at the time of variant classification. Additional details can be found in publication PMID: 35346344, PMCID: PMC8962531

Ambry Genetics
Classification: Likely benign for Hereditary cancer-predisposing syndrome. Last evaluated: 2021-06-22. Review status: criteria provided, single submitter. Criteria: Ambry Variant Classification Scheme 2023. Collection method: clinical testing. Allele origin: germline.

Color Diagnostics, LLC DBA Color Health
Classification: Likely benign for Hereditary cancer-predisposing syndrome. Last evaluated: 2017-09-25. Review status: criteria provided, single submitter. Criteria: ACMG Guidelines, 2015. Collection method: clinical testing. Allele origin: germline.